The following is an entry in ClinVar:

ClinVar aggregate classification (germline): Likely benign. Review status: criteria provided, multiple submitters, no conflicts (2 of 4 stars). 3 submissions from 3 submitters: Likely benign (3). Last evaluated 2026-01-26.

Conditions:
LAMA2-related muscular dystrophy (LAMA2-RD). Also called: Laminin alpha 2-related dystrophy. Identifiers: MedGen C5679788, MONDO:0100228.

Allele frequency attached by ClinVar (database versions not stated): ESP Exome Variant Server 0.00008; gnomAD exomes 0.00013 and 0.00029; ExAC 0.00019; gnomAD 0.00019 and 0.00021; TOPMed 0.00029.
gnomAD v4.1: 442 of 1,584,742 alleles (0.028%); highest among the groups gnomAD compares: Non-Finnish European, 0.036%; no homozygotes.

Submissions (3):

Labcorp Genetics (formerly Invitae), Labcorp
Classification: Likely benign for LAMA2-related muscular dystrophy. Last evaluated: 2026-01-26. Review status: criteria provided, single submitter. Criteria: Invitae Variant Classification Sherloc (09022015). Collection method: clinical testing. Allele origin: germline.

Blueprint Genetics
Classification: Likely benign. Last evaluated: 2024-09-03. Review status: criteria provided, single submitter. Criteria: ACMG Guidelines, 2015. Collection method: clinical testing. Allele origin: germline.

GeneDx
Classification: Likely benign. Last evaluated: 2018-03-16. Review status: criteria provided, single submitter. Criteria: GeneDx Variant Classification (06012015). Collection method: clinical testing. Allele origin: germline. Affected: yes.
Comment: This variant is considered likely benign or benign based on one or more of the following criteria: it is a conservative change, it occurs at a poorly conserved position in the protein, it is predicted to be benign by multiple in silico algorithms, and/or has population frequency not consistent with disease.

NM_000426.4(LAMA2):c.9211+17C>T

Gene: LAMA2 (laminin subunit alpha 2; plus strand). Cytogenetic location: 6q22.33.
Variant type: single nucleotide variant.
Coding change: c.9211+17C>T on transcript NM_000426.4 (MANE Select); 17 bases into the intron after coding-DNA position 9211, C replaced by T.
Molecular consequence: intron variant.
Genome position (GRCh38, 1-based): chr6:129,514,612, C>T. VCF-style: chr6-129514612-C-T. GRCh37 (hg19) VCF-style: chr6-129835757-C-T.
Other names: c.9199+17C>T (NM_001079823.2).
Identifiers: ClinVar variation 386115 (VCV000386115.10), dbSNP rs367830612, ClinGen allele CA3995059.